The following is an entry in ClinVar:

NM_001079802.2(FKTN):c.398T>C (p.Met133Thr)

Gene: FKTN (fukutin; plus strand). Cytogenetic location: 9q31.2.
Variant type: single nucleotide variant.
Coding change: c.398T>C on transcript NM_001079802.2 (MANE Select); coding-DNA position 398, T replaced by C.
Protein change: p.Met133Thr; replaces methionine 133 with threonine.
Molecular consequence: missense variant. On other transcripts: initiator codon variant (4), non-coding transcript variant (2).
Genome position (GRCh38, 1-based): chr9:105,604,243, T>C. VCF-style: chr9-105604243-T-C. GRCh37 (hg19) VCF-style: chr9-108366524-T-C.
Other names: c.398T>C, p.Met133Thr (NM_001198963.2, NM_001351496.2, NM_001351498.2 and 1 more transcripts); c.329T>C, p.Met110Thr (NM_001351497.2); c.2T>C, p.Met1Thr (NM_001351499.2, NM_001351500.2, NM_001351501.2 and 1 more transcripts); short protein forms M1T, M110T, M133T.
Identifiers: ClinVar variation 3278991 (VCV003278991.1).

ClinVar aggregate classification (germline): Uncertain significance (1 of 4 stars; one submission).

Conditions:
Cardiovascular phenotype. Identifiers: MedGen CN230736.

Submission:

Ambry Genetics
Classification: Uncertain significance for Cardiovascular phenotype. Last evaluated: 2024-05-06. Review status: criteria provided, single submitter. Criteria: Ambry Variant Classification Scheme 2023. Collection method: clinical testing. Allele origin: germline.
Comment: The p.M133T variant (also known as c.398T>C), located in coding exon 4 of the FKTN gene, results from a T to C substitution at nucleotide position 398. The methionine at codon 133 is replaced by threonine, an amino acid with similar properties. This variant has been reported in a Fukuyama-type congenital muscular dystrophy cohort (Yoshioka M et al. Brain Dev, 2008 Jan;30:59-67). This amino acid position is highly conserved in available vertebrate species. In addition, this alteration is predicted to be deleterious by in silico analysis. Based on the available evidence, the clinical significance of this variant remains unclear.

Literature cited by the submitters: PubMed 17597323.